The following is an entry in ClinVar:

ClinVar aggregate classification (germline): Likely benign. Review status: criteria provided, multiple submitters, no conflicts (2 of 4 stars). 2 submissions from 2 submitters: Likely benign (2). Last evaluated 2025-01-09.

Conditions:
Familial cancer of breast. Also called: BREAST CANCER, FAMILIAL; Hereditary breast cancer; hereditary breast carcinoma. Identifiers: Orphanet 227535, MedGen C0346153, MONDO:0016419, OMIM 114480. Disease mechanism: loss of function.

Submissions (2):

Myriad Genetics, Inc.
Classification: Likely benign for Familial cancer of breast. Last evaluated: 2025-01-09. Review status: criteria provided, single submitter. Criteria: Myriad Autosomal Dominant, Autosomal Recessive and X-Linked Classification Criteria (2023). Collection method: clinical testing. Allele origin: unknown.
Comment: This variant is considered likely benign. This variant is intronic and is not expected to impact mRNA splicing.

Labcorp Genetics (formerly Invitae), Labcorp
Classification: Likely benign for Familial cancer of breast. Last evaluated: 2024-10-03. Review status: criteria provided, single submitter. Criteria: Invitae Variant Classification Sherloc (09022015). Collection method: clinical testing. Allele origin: germline.

NM_024675.4(PALB2):c.49-16_49-15del

Gene: PALB2 (partner and localizer of BRCA2; minus strand). Cytogenetic location: 16p12.2.
Variant type: Microsatellite.
Coding change: c.49-16_49-15del on transcript NM_024675.4 (MANE Select); 16 bases into the intron before coding-DNA position 49 through 15 bases into the intron before coding-DNA position 49, 2 bases deleted (GT; older notation c.49-16_49-15delGT).
Molecular consequence: intron variant.
Genome position (GRCh38, 1-based): chr16:23,638,144-23,638,145, AC deleted on the plus strand (GT on the coding strand, the reverse complement: PALB2 is on the minus strand); deleting any 2 consecutive bases within chr16:23,638,144-23,638,147 gives the same sequence; the c. name uses the placement nearest the transcript's 3' end. VCF-style (leftmost placement, unchanged base first): chr16-23638143-AAC-A. GRCh37 (hg19) VCF-style: chr16-23649464-AAC-A.
Other names: c.-837-16_-837-15del (NM_001407308.1, NM_001407306.1, NM_001407307.1 and 5 more transcripts); c.48+2965_48+2966del (NM_001407314.1); c.-105+2965_-105+2966del (NM_001407313.1, NM_001407312.1); c.49-193_49-192del (NM_001407296.1); c.49-16_49-15del (NM_001407297.1, NM_001407302.1, NM_001407298.1 and 3 more transcripts).
Identifiers: ClinVar variation 3717449 (VCV003717449.3).